The following is an entry in ClinVar:

ClinVar aggregate classification (germline): Uncertain significance (1 of 4 stars; one submission).

Conditions:
Peroxisome biogenesis disorder 2A (Zellweger) (PBD2A). Also called: Cerebrohepatorenal syndrome, variant types. Identifiers: Orphanet 912, MedGen C3550273, MONDO:0008954, OMIM 214110.

Allele frequency attached by ClinVar (database versions not stated): TOPMed below 0.00001; gnomAD 0.00001; ExAC 0.00002; gnomAD exomes 0.00002 and 0.00004.
gnomAD v4.1: 23 of 1,612,982 alleles (0.0014%); highest among the groups gnomAD compares: East Asian, 0.051%; no homozygotes.

Submission:

3billion
Classification: Uncertain significance for Peroxisome biogenesis disorder 2A (Zellweger). Last evaluated: 2021-10-02. Review status: criteria provided, single submitter. Criteria: ACMG Guidelines, 2015. Collection method: clinical testing. Allele origin: maternal. Affected: yes. Observed: 1 heterozygote.
Comment: It is observed at an extremely low frequency in the gnomAD v2.1.1 dataset (total allele frequency: 0.0000398, PM2). The variant was observed in trans with a pathogenic variant (NM_001300789.1: c.1622A>G) as compound heterozygous (3billion dataset, PM3). Missense changes are a common disease-causing mechanism (PP2). In silico tool predictions suggest no damaging effect of the variant on gene or gene product (REVEL: 0.316; 3Cnet: 0.085). Therefore, this variant is classified as uncertain signficance according to the recommendation of ACMG/AMP guideline.

NM_001351132.2(PEX5):c.177A>C (p.Glu59Asp)

Gene: PEX5 (peroxisomal biogenesis factor 5; plus strand). Cytogenetic location: 12p13.31.
Variant type: single nucleotide variant.
Coding change: c.177A>C on transcript NM_001351132.2 (MANE Select); coding-DNA position 177, A replaced by C.
Protein change: p.Glu59Asp; replaces glutamic acid 59 with aspartic acid.
Molecular consequence: missense variant.
Genome position (GRCh38, 1-based): chr12:7,190,917, A>C. VCF-style: chr12-7190917-A-C. GRCh37 (hg19) VCF-style: chr12-7343513-A-C.
Other names: c.177A>C, p.Glu59Asp (NM_000319.5, NM_001131024.2, NM_001131025.2 and 19 more transcripts); c.222A>C, p.Glu74Asp (NM_001131023.2, NM_001351138.2, NM_001351135.3); short protein forms E59D, E74D.
Identifiers: ClinVar variation 1320046 (VCV001320046.1), dbSNP rs755469133, ClinGen allele CA6426038.